The following is an entry in ClinVar:

ClinVar aggregate classification (germline): Conflicting classifications of pathogenicity. Review status: criteria provided, conflicting classifications (1 of 4 stars). 3 submissions from 3 submitters: Uncertain significance (1); Likely benign (2). Last evaluated 2024-06-18.

Conditions:
Neuroblastoma, susceptibility to, 3. Also called: ALK-Related Neuroblastic Tumor Susceptibility. Identifiers: Orphanet 635, MedGen C2751681, MONDO:0013083, OMIM 613014.
Hereditary cancer-predisposing syndrome. Also called: Neoplastic Syndromes, Hereditary; Hereditary neoplastic syndrome; Hereditary Cancer Syndrome; Tumor predisposition. Identifiers: Orphanet 140162, MedGen C0027672, MeSH D009386, MONDO:0015356.

Allele frequency attached by ClinVar (database versions not stated): gnomAD 0.00001 and 0.00003; ExAC 0.00002; gnomAD exomes 0.00002 and 0.00005; TOPMed 0.00002; 1000 Genomes Project 30x 0.00031; 1000 Genomes Project 0.00040.
gnomAD v4.1: 27 of 1,593,042 alleles (0.0017%); highest among the groups gnomAD compares: East Asian, 0.016%; no homozygotes.

Submissions (3):

Labcorp Genetics (formerly Invitae), Labcorp
Classification: Uncertain significance for Neuroblastoma, susceptibility to, 3. Last evaluated: 2024-06-18. Review status: criteria provided, single submitter. Criteria: Invitae Variant Classification Sherloc (09022015). Collection method: clinical testing. Allele origin: germline.
Comment: This sequence change replaces arginine, which is basic and polar, with histidine, which is basic and polar, at codon 1436 of the ALK protein (p.Arg1436His). This variant is present in population databases (rs544926207, gnomAD 0.04%), and has an allele count higher than expected for a pathogenic variant. This variant has not been reported in the literature in individuals affected with ALK-related conditions. ClinVar contains an entry for this variant (Variation ID: 659084). An algorithm developed to predict the effect of missense changes on protein structure and function (PolyPhen-2) suggests that this variant is likely to be tolerated. In summary, the available evidence is currently insufficient to determine the role of this variant in disease. Therefore, it has been classified as a Variant of Uncertain Significance.

Ambry Genetics
Classification: Likely benign for Hereditary cancer-predisposing syndrome. Last evaluated: 2022-04-19. Review status: criteria provided, single submitter. Criteria: Ambry Variant Classification Scheme 2023. Collection method: clinical testing. Allele origin: germline.

Sema4
Classification: Likely benign for Hereditary cancer-predisposing syndrome. Last evaluated: 2021-11-12. Review status: criteria provided, single submitter. Criteria: Sema4 Curation Guidelines. Collection method: curation. Allele origin: germline.

NM_004304.5(ALK):c.4307G>A (p.Arg1436His)

Gene: ALK (ALK receptor tyrosine kinase; minus strand). Cytogenetic location: 2p23.2.
Variant type: single nucleotide variant.
Coding change: c.4307G>A on transcript NM_004304.5 (MANE Select); coding-DNA position 4307, G replaced by A.
Protein change: p.Arg1436His; replaces arginine 1436 with histidine.
Molecular consequence: missense variant.
Genome position (GRCh38, 1-based): chr2:29,193,780, C>T on the plus strand (G>A on the coding strand, the complement: ALK is on the minus strand). VCF-style: chr2-29193780-C-T. GRCh37 (hg19) VCF-style: chr2-29416646-C-T.
Other names: c.1103G>A, p.Arg368His (NM_001353765.2); short protein forms R1436H, R368H.
Identifiers: ClinVar variation 659084 (VCV000659084.12), dbSNP rs544926207, ClinGen allele CA1593600.
Genomic context (GRCh38, chr2:29,193,780, plus strand): 5'-GGTTTCTTTGCAGCCTTGCCAGAGGAGGTGGTAGGCAGAGGTGGTGGGGCAGCTGGGCTG[C>T]GCTCCTCCTCCCGTTTTGCCTGTTGAGAGACCAGGAGAGGAGGAACCCCCTCAGGGTCCT-3'
Protein context (NP_004295.2, residues 1426-1446): VSQQAKREEE[Arg1436His]SPAAPPPLPT